The following is an entry in ClinVar:

NM_001283009.2(RTEL1):c.1007G>A (p.Gly336Glu)

Genes: RTEL1 (regulator of telomere elongation helicase 1; plus strand), RTEL1-TNFRSF6B (RTEL1-TNFRSF6B readthrough (NMD candidate); plus strand). Cytogenetic location: 20q13.33.
Variant type: single nucleotide variant.
Coding change: c.1007G>A on transcript NM_001283009.2 (MANE Select); coding-DNA position 1007, G replaced by A.
Protein change: p.Gly336Glu; replaces glycine 336 with glutamic acid.
Molecular consequence: missense variant. On other transcripts: non-coding transcript variant (1).
Genome position (GRCh38, 1-based): chr20:63,678,316, G>A. VCF-style: chr20-63678316-G-A. GRCh37 (hg19) VCF-style: chr20-62309669-G-A.
Other names: c.338G>A, p.Gly113Glu (NM_001283010.1); c.1007G>A, p.Gly336Glu (NM_016434.4); c.1079G>A, p.Gly360Glu (NM_032957.5); short protein forms G113E, G336E, G360E.
Identifiers: ClinVar variation 4863543 (VCV004863543.1).

ClinVar aggregate classification (germline): Uncertain significance (1 of 4 stars; one submission).

Conditions:
Inborn genetic diseases. Identifiers: MedGen C0950123, MeSH D030342.

gnomAD v4.1: 1 of 1,613,078 alleles (0.000062%); highest among the groups gnomAD compares: East Asian, 0.0022%; no homozygotes.

Submission:

Ambry Genetics
Classification: Uncertain significance for Inborn genetic diseases. Last evaluated: 2026-04-08. Review status: criteria provided, single submitter. Criteria: Ambry Variant Classification Scheme 2023. Collection method: clinical testing. Allele origin: germline.
Comment: The p.G336E variant (also known as c.1007G>A), located in coding exon 11 of the RTEL1 gene, results from a G to A substitution at nucleotide position 1007. The glycine at codon 336 is replaced by glutamic acid, an amino acid with similar properties. This amino acid position is conserved. In addition, the in silico prediction for this alteration is inconclusive. Based on the available evidence, the clinical significance of this variant remains unclear.